The following is an entry in ClinVar:

NM_015294.6(TRIM37):c.492+1G>T

Gene: TRIM37 (tripartite motif containing 37; minus strand). Cytogenetic location: 17q22.
Variant type: single nucleotide variant.
Coding change: c.492+1G>T on transcript NM_015294.6 (MANE Select); the canonical splice donor site of the intron after coding-DNA position 492, G replaced by T.
Molecular consequence: splice donor variant.
Genome position (GRCh38, 1-based): chr17:59,081,096, C>A on the plus strand (G>T on the coding strand, the complement: TRIM37 is on the minus strand). VCF-style: chr17-59081096-C-A. GRCh37 (hg19) VCF-style: chr17-57158457-C-A.
Other names: c.492+1G>T (NM_001320989.3, NM_001005207.5, NM_001353086.2 and 2 more transcripts); c.30+1G>T (NM_001353085.2); c.390+1G>T (NM_001320987.3, NM_001353082.2); c.-261+1G>T (NM_001353083.2); c.126+1G>T (NM_001320990.3).
Identifiers: ClinVar variation 2710677 (VCV002710677.3), dbSNP rs2546093466, ClinGen allele CA400391375.

ClinVar aggregate classification (germline): Likely pathogenic (1 of 4 stars; one submission).

Submission:

Labcorp Genetics (formerly Invitae), Labcorp
Classification: Likely pathogenic. Last evaluated: 2024-01-21. Review status: criteria provided, single submitter. Criteria: Invitae Variant Classification Sherloc (09022015). Collection method: clinical testing. Allele origin: germline.
Comment: This sequence change affects a donor splice site in intron 6 of the TRIM37 gene. It is expected to disrupt RNA splicing. Variants that disrupt the donor or acceptor splice site typically lead to a loss of protein function (PMID: 16199547), and loss-of-function variants in TRIM37 are known to be pathogenic (PMID: 10888877, 15108285). This variant is not present in population databases (gnomAD no frequency). This variant has not been reported in the literature in individuals affected with TRIM37-related conditions. Algorithms developed to predict the effect of sequence changes on RNA splicing suggest that this variant may disrupt the consensus splice site. In summary, the currently available evidence indicates that the variant is pathogenic, but additional data are needed to prove that conclusively. Therefore, this variant has been classified as Likely Pathogenic.

Literature cited by the submitters: PubMed 16199547; PubMed 10888877; PubMed 15108285.